The following is an entry in ClinVar:

NM_005751.5(AKAP9):c.206G>A (p.Ser69Asn)

Gene: AKAP9 (A-kinase anchoring protein 9; plus strand). Cytogenetic location: 7q21.2.
Variant type: single nucleotide variant.
Coding change: c.206G>A on transcript NM_005751.5 (MANE Select); coding-DNA position 206, G replaced by A.
Protein change: p.Ser69Asn; replaces serine 69 with asparagine.
Molecular consequence: missense variant.
Genome position (GRCh38, 1-based): chr7:91,973,868, G>A. VCF-style: chr7-91973868-G-A. GRCh37 (hg19) VCF-style: chr7-91603182-G-A.
Other names: c.206G>A, p.Ser69Asn (NM_147185.3); short protein forms S69N.
Identifiers: ClinVar variation 3725646 (VCV003725646.2).
Genomic context (GRCh38, chr7:91,973,868, plus strand): 5'-TGTCAGCACACCATGATTTGAATATTGATCAATCACAGTGTAATGAAATGTACATAAATA[G>A]TTCTCAGAGAGTAGAATCAACTGTGATTCCTGAATCTACAATAATGAGAACTCTACATAG-3'
Protein context (NP_005742.4, residues 59-79): QSQCNEMYIN[Ser69Asn]SQRVESTVIP

ClinVar aggregate classification (germline): Uncertain significance (1 of 4 stars; one submission).

Conditions:
Long QT syndrome (LQTS). Identifiers: MedGen C0023976, MeSH D008133, MONDO:0002442. Disease mechanism: loss of function. Inheritance: Various modes of inheritance.

Submission:

Labcorp Genetics (formerly Invitae), Labcorp
Classification: Uncertain significance for Long QT syndrome. Last evaluated: 2024-11-19. Review status: criteria provided, single submitter. Criteria: Invitae Variant Classification Sherloc (09022015). Collection method: clinical testing. Allele origin: germline.
Comment: This sequence change replaces serine, which is neutral and polar, with asparagine, which is neutral and polar, at codon 69 of the AKAP9 protein (p.Ser69Asn). This variant is not present in population databases (gnomAD no frequency). This variant has not been reported in the literature in individuals affected with AKAP9-related conditions. An algorithm developed to predict the effect of missense changes on protein structure and function outputs the following: PolyPhen-2: "Benign". The asparagine amino acid residue is found in multiple mammalian species, which suggests that this missense change does not adversely affect protein function. In summary, the available evidence is currently insufficient to determine the role of this variant in disease. Therefore, it has been classified as a Variant of Uncertain Significance.